The following is an entry in ClinVar:

NM_005902.4(SMAD3):c.634A>T (p.Met212Leu)

Gene: SMAD3 (SMAD family member 3; plus strand). Cytogenetic location: 15q22.33.
Variant type: single nucleotide variant.
Coding change: c.634A>T on transcript NM_005902.4 (MANE Select); coding-DNA position 634, A replaced by T.
Protein change: p.Met212Leu; replaces methionine 212 with leucine.
Molecular consequence: missense variant.
Genome position (GRCh38, 1-based): chr15:67,170,580, A>T. VCF-style: chr15-67170580-A-T. GRCh37 (hg19) VCF-style: chr15-67462918-A-T.
Other names: c.319A>T, p.Met107Leu (NM_001145102.2); c.502A>T, p.Met168Leu (NM_001145103.2); c.49A>T, p.Met17Leu (NM_001145104.2); short protein forms M212L, M168L, M107L, M17L.
Identifiers: ClinVar variation 924164 (VCV000924164.5), dbSNP rs1962721215, ClinGen allele CA392955037.

ClinVar aggregate classification (germline): Uncertain significance (1 of 4 stars; one submission).

Conditions:
Familial thoracic aortic aneurysm and aortic dissection (TAAD). Also called: Thoracic aortic aneurysms and dissections. Identifiers: Orphanet 91387, MedGen C4707243, MONDO:0019625.

gnomAD v4.1: 1 of 1,614,018 alleles (0.000062%); highest among the groups gnomAD compares: African/African-American, 0.0013%; no homozygotes.

Submission:

Color Diagnostics, LLC DBA Color Health
Classification: Uncertain significance for Familial thoracic aortic aneurysm and aortic dissection. Last evaluated: 2023-12-04. Review status: criteria provided, single submitter. Criteria: ACMG Guidelines, 2015. Collection method: clinical testing. Allele origin: germline.
Comment: Variant of Uncertain Significance due to insufficient evidence: This missense variant replaces methionine with leucine at codon 212 of the SMAD3 protein. Computational prediction tools and conservation analyses are inconclusive regarding the impact of this variant on the protein function. Computational splicing tools suggest that this variant may not impact RNA splicing. To our knowledge, functional assays have not been performed for this variant nor has this variant been reported in individuals affected with cardiovascular disorders in the literature. This variant is rare in the general population and has been identified in 0/277264 chromosomes by the Genome Aggregation Database (gnomAD). Available evidence is insufficient to determine the role of this variant in disease conclusively.